The following is an entry in ClinVar:

ClinVar aggregate classification (germline): Uncertain significance (1 of 4 stars; one submission).

Allele frequency attached by ClinVar (database versions not stated): gnomAD 0.00002; TOPMed 0.00005; ESP Exome Variant Server 0.00008; ExAC 0.00002.
gnomAD v4.1: 44 of 1,613,930 alleles (0.0027%); highest among the groups gnomAD compares: Non-Finnish European, 0.0029%; no homozygotes.

Submission:

CeGaT Center for Human Genetics Tuebingen
Classification: Uncertain significance. Last evaluated: 2026-08-01. Review status: criteria provided, single submitter. Criteria: CeGaT Center For Human Genetics Tuebingen Variant Classification Criteria Version 2. Collection method: clinical testing. Allele origin: germline. Affected: yes. Observed: 3 variant alleles.
Comment: KANK1: PM2, BP1

NM_015158.5(KANK1):c.3478G>A (p.Gly1160Ser)

Genes: KANK1 (KN motif and ankyrin repeat domains 1; plus strand), LOC126860554 (MED14-independent group 3 enhancer GRCh37_chr9:737889-739088; plus strand). Cytogenetic location: 9p24.3.
Variant type: single nucleotide variant.
Coding change: c.3478G>A on transcript NM_015158.5 (MANE Select); coding-DNA position 3478, G replaced by A.
Protein change: p.Gly1160Ser; replaces glycine 1160 with serine.
Molecular consequence: missense variant. On other transcripts: non-coding transcript variant (1).
Genome position (GRCh38, 1-based): chr9:738,429, G>A. VCF-style: chr9-738429-G-A. GRCh37 (hg19) VCF-style: chr9-738429-G-A.
Other names: c.3478G>A, p.Gly1160Ser (NM_001256876.3, NM_001256877.3, NM_001354334.2); c.3238G>A, p.Gly1080Ser (NM_001354331.2); c.3424G>A, p.Gly1142Ser (NM_001354332.2); c.3004G>A, p.Gly1002Ser (NM_001354333.2, NM_001354335.2, NM_001354337.2 and 2 more transcripts); c.2710G>A, p.Gly904Ser (NM_001354336.2); c.2950G>A, p.Gly984Ser (NM_001354338.2, NM_001354340.2, NM_001354344.2); c.2764G>A, p.Gly922Ser (NM_001354339.2, NM_001354342.2, NM_001354343.2); short protein forms G1002S, G1080S, G1142S, G1160S, G904S, G922S, G984S.
Identifiers: ClinVar variation 2659023 (VCV002659023.24), dbSNP rs374492770, ClinGen allele CA4960974.
Genomic context (GRCh38, chr9:738,429, plus strand): 5'-ATAGCTGCTTTTGAGGCCATTTCCCCAGATGTCCTCCGCTATGTCATCAACTTGGCAGAC[G>A]GCAACGGCAACACAGCCCTCCATTACAGCGTGTCCCACTCCAACTTCGAGATTGTGAAGC-3'
Protein context (NP_055973.2, residues 1150-1170): VLRYVINLAD[Gly1160Ser]NGNTALHYSV